The following is an entry in ClinVar:

NM_024734.4(CLMN):c.1776C>T (p.Asp592=)

Gene: CLMN (calmin; minus strand). Cytogenetic location: 14q32.13.
Variant type: single nucleotide variant.
Coding change: c.1776C>T on transcript NM_024734.4 (MANE Select); coding-DNA position 1776, C replaced by T.
Protein change: p.Asp592=; no amino-acid change (aspartic acid 592 retained).
Molecular consequence: synonymous variant.
Genome position (GRCh38, 1-based): chr14:95,203,573, G>A on the plus strand (C>T on the coding strand, the complement: CLMN is on the minus strand). VCF-style: chr14-95203573-G-A. GRCh37 (hg19) VCF-style: chr14-95669910-G-A.
Identifiers: ClinVar variation 787953 (VCV000787953.6), dbSNP rs144975674, ClinGen allele CA7332104.

ClinVar aggregate classification (germline): Benign. Review status: criteria provided, multiple submitters, no conflicts (2 of 4 stars). 3 submissions from 3 submitters: Benign (2). 1 of the submissions does not count toward it. Last evaluated 2018-05-15.

Conditions:
CLMN-related disorder. Also called: CLMN-related condition.

Allele frequency attached by ClinVar (database versions not stated): gnomAD 0.00538; TOPMed 0.00655; 1000 Genomes Project 30x 0.00656; 1000 Genomes Project 0.00699; ESP Exome Variant Server 0.00715.
gnomAD v4.1: 1,723 of 1,614,120 alleles (0.11%); highest among the groups gnomAD compares: African/African-American, 2.1%; 10 homozygotes.

Submissions (3):

Labcorp Genetics (formerly Invitae), Labcorp
Classification: Benign. Last evaluated: 2018-05-15. Review status: criteria provided, single submitter. Criteria: Invitae Variant Classification Sherloc (09022015). Collection method: clinical testing. Allele origin: germline.

Breakthrough Genomics
Classification: Benign. Review status: criteria provided, single submitter. Criteria: ACMG Guidelines, 2015. Collection method: not provided. Allele origin: germline. Inheritance: Unknown mechanism. Affected: yes.

PreventionGenetics, part of Exact Sciences
Classification: Benign for CLMN-related condition. Last evaluated: 2019-10-28. Review status: no assertion criteria provided. Collection method: clinical testing. Allele origin: germline. Not counted in ClinVar's aggregate classification.
Comment: This variant is classified as benign based on ACMG/AMP sequence variant interpretation guidelines (Richards et al. 2015 PMID: 25741868, with internal and published modifications).